The following is an entry in ClinVar:

ClinVar aggregate classification (germline): Uncertain significance. Review status: criteria provided, multiple submitters, no conflicts (2 of 4 stars). 2 submissions from 2 submitters: Uncertain significance (2). Last evaluated 2021-03-17.

gnomAD v4.1: 14 of 1,612,748 alleles (0.00087%); highest among the groups gnomAD compares: Middle Eastern, 0.033%; no homozygotes.

Submissions (2):

Revvity Omics, Revvity
Classification: Uncertain significance. Last evaluated: 2021-03-17. Review status: criteria provided, single submitter. Criteria: ACMG Guidelines, 2015. Collection method: clinical testing. Allele origin: germline.

GeneDx
Classification: Uncertain significance. Last evaluated: 2019-12-16. Review status: criteria provided, single submitter. Criteria: GeneDx Variant Classification Process June 2021. Collection method: clinical testing. Allele origin: germline. Affected: yes.
Comment: In silico analysis, which includes protein predictors and evolutionary conservation, supports a deleterious effect; This variant is associated with the following publications: (PMID: 26077850)

NM_005573.4(LMNB1):c.1364G>T (p.Arg455Leu)

Gene: LMNB1 (lamin B1; plus strand). Cytogenetic location: 5q23.2.
Variant type: single nucleotide variant.
Coding change: c.1364G>T on transcript NM_005573.4 (MANE Select); coding-DNA position 1364, G replaced by T.
Protein change: p.Arg455Leu; replaces arginine 455 with leucine.
Molecular consequence: missense variant. On other transcripts: non-coding transcript variant (1).
Genome position (GRCh38, 1-based): chr5:126,821,113, G>T. VCF-style: chr5-126821113-G-T. GRCh37 (hg19) VCF-style: chr5-126156805-G-T.
Other names: c.734G>T, p.Arg245Leu (NM_001198557.2); short protein forms R245L, R455L.
Identifiers: ClinVar variation 1193735 (VCV001193735.5), dbSNP rs773118659, ClinGen allele CA3390694.